The following is an entry in ClinVar:

ClinVar aggregate classification (germline): Uncertain significance (1 of 4 stars; one submission).

Submission:

Labcorp Genetics (formerly Invitae), Labcorp
Classification: Uncertain significance. Last evaluated: 2014-11-03. Review status: criteria provided, single submitter. Criteria: Invitae Variant Classification Sherloc (09022015). Collection method: clinical testing. Allele origin: germline.
Comment: This sequence change has not been published in the literature and is not present in population databases. This intronic change is not expected to affect splicing, but this prediction has not been confirmed by published transcriptional studies. In summary, this is a novel intronic change that is not predicted to affect splicing or cause disease. However the evidence is insufficient at this time to prove that conclusively. It has been classified as a Variant of Uncertain Significance. This sequence change falls in intron 5 of the EPCAM mRNA. It does not directly change the encoded amino acid sequence of the EPCAM protein.

NM_002354.3(EPCAM):c.556-4C>G

Gene: EPCAM (epithelial cell adhesion molecule; plus strand). Cytogenetic location: 2p21.
Variant type: single nucleotide variant.
Coding change: c.556-4C>G on transcript NM_002354.3 (MANE Select); 4 bases into the intron before coding-DNA position 556, C replaced by G.
Molecular consequence: intron variant.
Genome position (GRCh38, 1-based): chr2:47,378,949, C>G. VCF-style: chr2-47378949-C-G. GRCh37 (hg19) VCF-style: chr2-47606088-C-G.
Identifiers: ClinVar variation 1005842 (VCV001005842.8), dbSNP rs1671500686, ClinGen allele CA2495811741.